The following is an entry in ClinVar:

ClinVar aggregate classification (germline): Conflicting classifications of pathogenicity. Review status: criteria provided, conflicting classifications (1 of 4 stars). 2 submissions from 2 submitters: Uncertain significance (1); Likely benign (1). Last evaluated 2023-03-23.

Conditions:
Hereditary cancer-predisposing syndrome. Also called: Neoplastic Syndromes, Hereditary; Tumor predisposition; Hereditary neoplastic syndrome; Hereditary Cancer Syndrome. Identifiers: Orphanet 140162, MedGen C0027672, MeSH D009386, MONDO:0015356.

Submissions (2):

University of Washington Department of Laboratory Medicine, University of Washington
Classification: Likely benign for Hereditary cancer-predisposing syndrome. Last evaluated: 2023-03-23. Review status: criteria provided, single submitter. Criteria: Dines et al. (Genet Med. 2020). Collection method: curation. Allele origin: germline.
Comment: Missense variant in a coldspot region where missense variants are very unlikely to be pathogenic (PMID:31911673).

BRCA2 exon 11 coldspot. Reclassification based on statistical prior probability.

Ambry Genetics
Classification: Uncertain significance for Hereditary cancer-predisposing syndrome. Last evaluated: 2019-08-11. Review status: criteria provided, single submitter. Criteria: Ambry Variant Classification Scheme 2023. Collection method: clinical testing. Allele origin: germline.
Comment: The p.T1647A variant (also known as c.4939A>G), located in coding exon 10 of the BRCA2 gene, results from an A to G substitution at nucleotide position 4939. The threonine at codon 1647 is replaced by alanine, an amino acid with similar properties. This amino acid position is not well conserved in available vertebrate species. In addition, this alteration is predicted to be tolerated by in silico analysis. Since supporting evidence is limited at this time, the clinical significance of this alteration remains unclear.

NM_000059.4(BRCA2):c.4939A>G (p.Thr1647Ala)

Gene: BRCA2 (BRCA2 DNA repair associated; plus strand). Cytogenetic location: 13q13.1.
Variant type: single nucleotide variant.
Coding change: c.4939A>G on transcript NM_000059.4 (MANE Select); coding-DNA position 4939, A replaced by G.
Protein change: p.Thr1647Ala; replaces threonine 1647 with alanine.
Molecular consequence: missense variant.
Genome position (GRCh38, 1-based): chr13:32,339,294, A>G. VCF-style: chr13-32339294-A-G. GRCh37 (hg19) VCF-style: chr13-32913431-A-G.
Other names: short protein forms T1647A.
Identifiers: ClinVar variation 825312 (VCV000825312.6), dbSNP rs1593903882, ClinGen allele CA387783705.